The following is an entry in ClinVar:

ClinVar aggregate classification (germline): Pathogenic. Review status: criteria provided, multiple submitters, no conflicts (2 of 4 stars). 3 submissions from 3 submitters: Pathogenic (3). Last evaluated 2023-08-26.

Conditions:
Familial cancer of breast. Also called: hereditary breast carcinoma; BREAST CANCER, FAMILIAL; Hereditary breast cancer. Identifiers: Orphanet 227535, MedGen C0346153, MONDO:0016419, OMIM 114480. Disease mechanism: loss of function.
Hereditary cancer-predisposing syndrome. Also called: Neoplastic Syndromes, Hereditary; Hereditary Cancer Syndrome; Hereditary neoplastic syndrome; Tumor predisposition. Identifiers: Orphanet 140162, MedGen C0027672, MeSH D009386, MONDO:0015356.

Submissions (3):

Ambry Genetics
Classification: Pathogenic for Hereditary cancer-predisposing syndrome. Last evaluated: 2023-08-26. Review status: criteria provided, single submitter. Criteria: Ambry Variant Classification Scheme 2023. Collection method: clinical testing. Allele origin: germline.
Comment: The c.1111_1127del17 pathogenic mutation, located in coding exon 10 of the CHEK2 gene, results from a deletion of 17 nucleotides at nucleotide positions 1111 to 1127, causing a translational frameshift with a predicted alternate stop codon (p.H371Rfs*18). This variant is considered to be rare based on population cohorts in the Genome Aggregation Database (gnomAD). This alteration is expected to result in loss of function by premature protein truncation or nonsense-mediated mRNA decay. As such, this alteration is interpreted as a disease-causing mutation.

Myriad Genetics, Inc.
Classification: Pathogenic for Familial cancer of breast. Last evaluated: 2023-06-28. Review status: criteria provided, single submitter. Criteria: Myriad Autosomal Dominant, Autosomal Recessive and X-Linked Classification Criteria (2023). Collection method: clinical testing. Allele origin: unknown.
Comment: This variant is considered pathogenic. This variant creates a frameshift predicted to result in premature protein truncation.

Labcorp Genetics (formerly Invitae), Labcorp
Classification: Pathogenic for Familial cancer of breast. Last evaluated: 2022-03-21. Review status: criteria provided, single submitter. Criteria: Invitae Variant Classification Sherloc (09022015). Collection method: clinical testing. Allele origin: germline.
Comment: For these reasons, this variant has been classified as Pathogenic. This variant has not been reported in the literature in individuals affected with CHEK2-related conditions. This variant is not present in population databases (gnomAD no frequency). This sequence change creates a premature translational stop signal (p.His371Argfs*18) in the CHEK2 gene. It is expected to result in an absent or disrupted protein product. Loss-of-function variants in CHEK2 are known to be pathogenic (PMID: 21876083, 24713400).

Literature cited by the submitters: PubMed 21876083 (cited by Labcorp Genetics (formerly Invitae), Labcorp); PubMed 24713400 (cited by Labcorp Genetics (formerly Invitae), Labcorp).

NM_007194.4(CHEK2):c.1111_1127del (p.His371fs)

Gene: CHEK2 (checkpoint kinase 2; minus strand). Cytogenetic location: 22q12.1.
Variant type: Deletion.
Coding change: c.1111_1127del on transcript NM_007194.4 (MANE Select); coding-DNA positions 1111 to 1127, 17 bases deleted (CACTCCAAGATTTTGGG).
Protein change: p.His371fs; shifts the reading frame from histidine 371.
Molecular consequence: frameshift variant.
Genome position (GRCh38, 1-based): chr22:28,695,842-28,695,858, CCCAAAATCTTGGAGTG deleted on the plus strand (CACTCCAAGATTTTGGG on the coding strand, the reverse complement: CHEK2 is on the minus strand); deleting any 17 consecutive bases within chr22:28,695,842-28,695,867 gives the same sequence; the c. name uses the placement nearest the transcript's 3' end. VCF-style (leftmost placement, unchanged base first): chr22-28695841-TCCCAAAATCTTGGAGTG-T. GRCh37 (hg19) VCF-style: chr22-29091829-TCCCAAAATCTTGGAGTG-T.
Other names: c.1231_1247del17, p.His414Argfs (NM_001005735.3); c.439_455del17, p.His150Argfs (NM_001257387.3); c.901_917del17, p.His304Argfs (NM_001349956.3); c.1015_1031del17, p.His342Argfs (NM_145862.3); short protein forms H414fs, H304fs, H342fs, H371fs, H150fs.
Identifiers: ClinVar variation 2110720 (VCV002110720.7), dbSNP rs2052563898, ClinGen allele CA2580099526.